The following is an entry in ClinVar:

ClinVar aggregate classification (germline): Benign. Review status: criteria provided, multiple submitters, no conflicts (2 of 4 stars). 4 submissions from 4 submitters: Benign (3). 1 of the submissions does not count toward it. Last evaluated 2025-06-16.

Conditions:
PLOD1-related disorder. Also called: PLOD1-related condition.
Ehlers-Danlos syndrome, kyphoscoliotic type 1 (EDSKSCL1). Also called: PLOD1-Related Kyphoscoliotic Ehlers-Danlos Syndrome; EHLERS-DANLOS SYNDROME, OCULAR-SCOLIOTIC TYPE; EHLERS-DANLOS SYNDROME, TYPE VIA; Ehlers-Danlos syndrome, hydroxylysine-deficient. Identifiers: Orphanet 1900, MedGen C0268342, MONDO:0016002, OMIM 225400. Disease mechanism: loss of function.

Allele frequency attached by ClinVar (database versions not stated): gnomAD exomes 0.00187 and 0.00466; ExAC 0.01016; gnomAD 0.01822 and 0.01953; TOPMed 0.02042; 1000 Genomes Project 0.02157; ESP Exome Variant Server 0.02319; 1000 Genomes Project 30x 0.02358.
gnomAD v4.1: 5,105 of 1,357,254 alleles (0.38%); highest among the groups gnomAD compares: African/African-American, 6.3%; 153 homozygotes.

Submissions (4):

ARUP Laboratories, Molecular Genetics and Genomics, ARUP Laboratories
Classification: Benign for Ehlers-Danlos syndrome, kyphoscoliotic type 1. Last evaluated: 2025-06-16. Review status: criteria provided, single submitter. Criteria: ARUP Molecular Germline Variant Investigation Process 2024. Collection method: clinical testing. Allele origin: germline.

Molecular Diagnostic Laboratory for Inherited Cardiovascular Disease, Montreal Heart Institute
Classification: Benign. Last evaluated: 2025-04-09. Review status: criteria provided, single submitter. Criteria: ACMG Guidelines, 2015. Collection method: clinical testing. Allele origin: germline. Affected: no.

Breakthrough Genomics
Classification: Benign. Review status: criteria provided, single submitter. Criteria: ACMG Guidelines, 2015. Collection method: not provided. Allele origin: germline. Inheritance: Autosomal recessive inheritance. Affected: yes.

PreventionGenetics, part of Exact Sciences
Classification: Benign for PLOD1-related condition. Last evaluated: 2019-02-18. Review status: no assertion criteria provided. Collection method: clinical testing. Allele origin: germline. Not counted in ClinVar's aggregate classification.
Comment: This variant is classified as benign based on ACMG/AMP sequence variant interpretation guidelines (Richards et al. 2015 PMID: 25741868, with internal and published modifications).

NM_000302.4(PLOD1):c.77-3407C>T

Genes: PLOD1 (procollagen-lysine,2-oxoglutarate 5-dioxygenase 1; plus strand), LOC112577486 (Sharpr-MPRA regulatory region 8260; plus strand). Cytogenetic location: 1p36.22.
Variant type: single nucleotide variant.
Coding change: c.77-3407C>T on transcript NM_000302.4 (MANE Select); 3407 bases into the intron before coding-DNA position 77, C replaced by T.
Molecular consequence: intron variant. On other transcripts: missense variant (1).
Genome position (GRCh38, 1-based): chr1:11,944,569, C>T. VCF-style: chr1-11944569-C-T. GRCh37 (hg19) VCF-style: chr1-12004626-C-T.
Other names: c.124C>T (NM_001316320.1); c.124C>T, p.His42Tyr (NM_001316320.2); short protein forms H42Y.
Identifiers: ClinVar variation 811539 (VCV000811539.16), dbSNP rs75220940, ClinGen allele CA597731.